The following is an entry in ClinVar:

ClinVar aggregate classification (germline): Uncertain significance. Review status: criteria provided, multiple submitters, no conflicts (2 of 4 stars). 2 submissions from 2 submitters: Uncertain significance (2). Last evaluated 2025-04-10.

Conditions:
Hereditary cancer-predisposing syndrome. Also called: Tumor predisposition; Hereditary Cancer Syndrome; Hereditary neoplastic syndrome; Neoplastic Syndromes, Hereditary. Identifiers: Orphanet 140162, MedGen C0027672, MeSH D009386, MONDO:0015356.
POLD1-related polyposis and colorectal cancer syndrome (CRCS10). Also called: Colorectal cancer 10; COLORECTAL CANCER, SUSCEPTIBILITY TO, ON CHROMOSOME 19q; Colorectal cancer, susceptibility to, 10. Identifiers: Orphanet 220460, MedGen C2675481, MONDO:0012953, OMIM 612591.

Submissions (2):

Ambry Genetics
Classification: Uncertain significance for Hereditary cancer-predisposing syndrome. Last evaluated: 2025-04-10. Review status: criteria provided, single submitter. Criteria: Ambry Variant Classification Scheme 2023. Collection method: clinical testing. Allele origin: germline.
Comment: The p.Q503E variant (also known as c.1507C>G), located in coding exon 12 of the POLD1 gene, results from a C to G substitution at nucleotide position 1507. The glutamine at codon 503 is replaced by glutamic acid, an amino acid with highly similar properties. This amino acid position is highly conserved in available vertebrate species. In addition, this alteration is predicted to be tolerated by in silico analysis. Since supporting evidence is limited at this time, the clinical significance of this alteration remains unclear.

Labcorp Genetics (formerly Invitae), Labcorp
Classification: Uncertain significance for POLD1-related polyposis and colorectal cancer syndrome. Last evaluated: 2025-02-03. Review status: criteria provided, single submitter. Criteria: Invitae Variant Classification Sherloc (09022015). Collection method: clinical testing. Allele origin: germline.
Comment: This sequence change replaces glutamine, which is neutral and polar, with glutamic acid, which is acidic and polar, at codon 503 of the POLD1 protein (p.Gln503Glu). This variant is not present in population databases (gnomAD no frequency). This variant has not been reported in the literature in individuals affected with POLD1-related conditions. ClinVar contains an entry for this variant (Variation ID: 484369). Invitae Evidence Modeling of protein sequence and biophysical properties (such as structural, functional, and spatial information, amino acid conservation, physicochemical variation, residue mobility, and thermodynamic stability) indicates that this missense variant is not expected to disrupt POLD1 protein function with a negative predictive value of 80%. In summary, the available evidence is currently insufficient to determine the role of this variant in disease. Therefore, it has been classified as a Variant of Uncertain Significance.

NM_002691.4(POLD1):c.1507C>G (p.Gln503Glu)

Gene: POLD1 (DNA polymerase delta 1, catalytic subunit; plus strand). Cytogenetic location: 19q13.33.
Variant type: single nucleotide variant.
Coding change: c.1507C>G on transcript NM_002691.4 (MANE Select); coding-DNA position 1507, C replaced by G.
Protein change: p.Gln503Glu; replaces glutamine 503 with glutamic acid.
Molecular consequence: missense variant. On other transcripts: non-coding transcript variant (1).
Genome position (GRCh38, 1-based): chr19:50,406,995, C>G. VCF-style: chr19-50406995-C-G. GRCh37 (hg19) VCF-style: chr19-50910252-C-G.
Other names: c.1507C>G, p.Gln503Glu (NM_001256849.1, NM_001308632.1); short protein forms Q503E.
Identifiers: ClinVar variation 484369 (VCV000484369.14), dbSNP rs1555791331, ClinGen allele CA406980768.
Genomic context (GRCh38, chr19:50,406,995, plus strand): 5'-TCCCACCCCCAACCCCTGGTCCCTGACCCCATCCGTGCCCATCCCCAGAATGGGAACGAC[C>G]AGACCCGCCGCCGCCTGGCTGTGTACTGCCTGAAGGATGCCTACCTGCCACTGCGGCTGC-3'
Protein context (NP_002682.2, residues 493-513): IITDLQNGND[Gln503Glu]TRRRLAVYCL